The following is an entry in ClinVar:

NM_001195263.2(PDZD7):c.1342AAG[1] (p.Lys449del)

Gene: PDZD7 (PDZ domain containing 7; minus strand). Cytogenetic location: 10q24.31.
Variant type: Microsatellite.
Coding change: c.1342AAG[1] on transcript NM_001195263.2 (MANE Select); one copy of the 3-base unit AAG starting at c.1342; the reference has two copies in a row; one copy, 3 bases deleted.
Protein change: p.Lys449del; deletes lysine 449.
Molecular consequence: inframe deletion.
Genome position (GRCh38, 1-based): chr10:101,018,274-101,018,276, CTT deleted on the plus strand (AAG on the coding strand, the reverse complement: PDZD7 is on the minus strand); deleting any 3 consecutive bases within chr10:101,018,274-101,018,280 gives the same sequence; the position shown is the placement nearest the transcript's 3' end. VCF-style (leftmost placement, unchanged base first): chr10-101018273-CCTT-C. GRCh37 (hg19) VCF-style: chr10-102778030-CCTT-C.
Other names: c.1370AAG[1], p.Glu458del (NM_001351044.2); c.1342AAG[1], p.Lys449del (NM_024895.5); short protein forms K449del, E458del.
Identifiers: ClinVar variation 1044435 (VCV001044435.6), dbSNP rs749620519, ClinGen allele CA5654108.

ClinVar aggregate classification (germline): Uncertain significance. Review status: criteria provided, multiple submitters, no conflicts (2 of 4 stars). 2 submissions from 2 submitters: Uncertain significance (2). Last evaluated 2025-11-10.

Submissions (2):

Labcorp Genetics (formerly Invitae), Labcorp
Classification: Uncertain significance. Last evaluated: 2025-11-10. Review status: criteria provided, single submitter. Criteria: Invitae Variant Classification Sherloc (09022015). Collection method: clinical testing. Allele origin: germline.
Comment: This variant, c.1345_1347del, results in the deletion of 1 amino acid(s) of the PDZD7 protein (p.Lys449del), but otherwise preserves the integrity of the reading frame. This variant is present in population databases (rs749620519, gnomAD 0.1%). This variant has not been reported in the literature in individuals affected with PDZD7-related conditions. Experimental studies and prediction algorithms are not available or were not evaluated, and the functional significance of this variant is currently unknown. In summary, the available evidence is currently insufficient to determine the role of this variant in disease. Therefore, it has been classified as a Variant of Uncertain Significance.

Blueprint Genetics
Classification: Uncertain significance. Last evaluated: 2024-03-25. Review status: criteria provided, single submitter. Criteria: ACMG Guidelines, 2015. Collection method: clinical testing. Allele origin: germline.